The following is an entry in ClinVar:

NM_022458.4(LMBR1):c.423+4584_423+4593dup

Genes: LMBR1 (limb development membrane protein 1; minus strand), ZRS (ZPA regulatory sequence; plus strand). Cytogenetic location: 7q36.3.
Variant type: Duplication.
Coding change: c.423+4584_423+4593dup on transcript NM_022458.4 (MANE Select); bases 4584 to 4593 of the intron after coding-DNA position 423, 10 bases duplicated (TCCAAACCAT; older notation c.423+4584_423+4593dupTCCAAACCAT).
Molecular consequence: intron variant.
Genome position (GRCh38, 1-based): chr7:156,791,796-156,791,805, ATGGTTTGGA duplicated on the plus strand (TCCAAACCAT on the coding strand, the reverse complement: LMBR1 is on the minus strand). VCF-style (leftmost placement, unchanged base first): chr7-156791795-G-GATGGTTTGGA. GRCh37 (hg19) VCF-style: chr7-156584489-G-GATGGTTTGGA.
Other names: c.-112+4584_-112+4593dup (NM_001363413.2, NM_001350958.2, NM_001350956.2 and 1 more transcripts); c.360+4584_360+4593dup (NM_001363412.2); c.144+4584_144+4593dup (NM_001350954.2); c.423+4584_423+4593dup (NM_001363410.2, NM_001363409.2, NM_001350953.2); c.54+4584_54+4593dup (NM_001350957.2, NM_001363411.2).
Identifiers: ClinVar variation 3345462 (VCV003345462.1).

ClinVar aggregate classification (germline): Uncertain significance (0 of 4 stars; one submission).

Conditions:
LMBR1-related disorder. Also called: LMBR1-related condition.

Submission:

PreventionGenetics, part of Exact Sciences
Classification: Uncertain significance for LMBR1-related condition. Last evaluated: 2024-08-25. Review status: no assertion criteria provided. Collection method: clinical testing. Allele origin: germline.
Comment: The LMBR1 c.423+4584_423+4593dup10 variant is predicted to result in an intronic duplication. To our knowledge, this variant has not been reported in the literature or in a large population database, indicating this variant is rare. At this time, the clinical significance of this variant is uncertain due to the absence of conclusive functional and genetic evidence.